The following is an entry in ClinVar:

NM_001256627.2(BRSK2):c.1939+264G>A

Gene: BRSK2 (BR serine/threonine kinase 2; plus strand). Cytogenetic location: 11p15.5.
Variant type: single nucleotide variant.
Coding change: c.1939+264G>A on transcript NM_001256627.2 (MANE Select); 264 bases into the intron after coding-DNA position 1939, G replaced by A.
Molecular consequence: intron variant.
Genome position (GRCh38, 1-based): chr11:1,456,951, G>A. VCF-style: chr11-1456951-G-A. GRCh37 (hg19) VCF-style: chr11-1478181-G-A.
Other names: c.1939+264G>A (NM_003957.4); c.1760-4G>A (NM_001282218.2); c.2077+264G>A (NM_001256630.1); c.1940-4G>A (NM_001256629.2).
Identifiers: ClinVar variation 3388349 (VCV003388349.14).
Genomic context (GRCh38, chr11:1,456,951, plus strand): 5'-TCTGCACGCCAGGGACATAGGGCGCAGCCGCACCACACTGAAAGGCGCCTCTTGTCCACC[G>A]TAGAACCCCCCCCACCAGCGCCAGGACTAAGCTGGGGTGCTGGGCTTAAGGGCCAGAAGG-3'

ClinVar aggregate classification (germline): Likely benign (1 of 4 stars; one submission).

gnomAD v4.1: 398 of 1,597,120 alleles (0.025%); highest among the groups gnomAD compares: Non-Finnish European, 0.031%; 3 homozygotes.

Submission:

CeGaT Center for Human Genetics Tuebingen
Classification: Likely benign. Last evaluated: 2024-11-01. Review status: criteria provided, single submitter. Criteria: CeGaT Center For Human Genetics Tuebingen Variant Classification Criteria Version 2. Collection method: clinical testing. Allele origin: germline. Affected: yes. Observed: 1 variant allele.
Comment: BRSK2: BP4